The following is an entry in ClinVar:

NM_000152.5(GAA):c.2580C>T (p.Asp860=)

Gene: GAA (alpha glucosidase; plus strand). Cytogenetic location: 17q25.3.
Variant type: single nucleotide variant.
Coding change: c.2580C>T on transcript NM_000152.5 (MANE Select); coding-DNA position 2580, C replaced by T.
Protein change: p.Asp860=; no amino-acid change (aspartic acid 860 retained).
Molecular consequence: synonymous variant.
Genome position (GRCh38, 1-based): chr17:80,118,291, C>T. VCF-style: chr17-80118291-C-T. GRCh37 (hg19) VCF-style: chr17-78092090-C-T.
Other names: c.2580C>T (LRG_673t1); c.2580C>T, p.Asp860= (NM_001079803.3, NM_001079804.3).
Identifiers: ClinVar variation 281751 (VCV000281751.39), dbSNP rs61736894, ClinGen allele CA8815792.

ClinVar aggregate classification (germline): Benign/Likely benign. Review status: criteria provided, multiple submitters, no conflicts (2 of 4 stars). 10 submissions from 10 submitters: Benign (4); Likely benign (4). 2 of the submissions do not count toward it. Last evaluated 2026-02-03.

Conditions:
Cardiovascular phenotype. Identifiers: MedGen CN230736.
Glycogen storage disease, type II (IOPD). Also called: Glucosidase acid-1,4-alpha deficiency; Glycogen storage disease type 2; Acid maltase deficiency disease; Aglucosidase alfa; Deficiency of alpha-glucosidase; Deficiency of lysosomal alpha-glucosidase. Identifiers: Orphanet 365, MedGen C0017921, MONDO:0009290, OMIM 232300.

Allele frequency attached by ClinVar (database versions not stated): gnomAD exomes 0.00112; ExAC 0.00145; gnomAD 0.00433 and 0.00459; 1000 Genomes Project 0.00439; 1000 Genomes Project 30x 0.00468; TOPMed 0.00492; ESP Exome Variant Server 0.00538.
gnomAD v4.1: 1,285 of 1,598,350 alleles (0.08%); highest among the groups gnomAD compares: African/African-American, 1.6%; 10 homozygotes.

Submissions (10):

Labcorp Genetics (formerly Invitae), Labcorp
Classification: Benign for Glycogen storage disease, type II. Last evaluated: 2026-02-03. Review status: criteria provided, single submitter. Criteria: Invitae Variant Classification Sherloc (09022015). Collection method: clinical testing. Allele origin: germline.

ARUP Laboratories, Molecular Genetics and Genomics, ARUP Laboratories
Classification: Benign for Glycogen storage disease, type II. Last evaluated: 2025-05-20. Review status: criteria provided, single submitter. Criteria: ARUP Molecular Germline Variant Investigation Process 2024. Collection method: clinical testing. Allele origin: germline.

Blueprint Genetics
Classification: Likely benign. Last evaluated: 2024-10-02. Review status: criteria provided, single submitter. Criteria: ACMG Guidelines, 2015. Collection method: clinical testing. Allele origin: germline.

Ambry Genetics
Classification: Likely benign for Cardiovascular phenotype. Last evaluated: 2022-05-17. Review status: criteria provided, single submitter. Criteria: Ambry Variant Classification Scheme 2023. Collection method: clinical testing. Allele origin: germline.

Women's Health and Genetics/Laboratory Corporation of America, LabCorp
Classification: Benign. Last evaluated: 2019-03-11. Review status: criteria provided, single submitter. Criteria: LabCorp Variant Classification Summary - May 2015. Collection method: clinical testing. Allele origin: germline.
Comment: Variant summary: GAA c.2580C>T alters a non-conserved nucleotide resulting in a synonymous change. 5/5 computational tools predict no significant impact on normal splicing. However, these predictions have yet to be confirmed by functional studies. The variant allele was found at a frequency of 0.0014 in 263280 control chromosomes, predominantly at a frequency of 0.015 within the African subpopulation in the gnomAD database. The observed variant frequency within African control individuals in the gnomAD database is approximately 4-folds higher than the estimated maximal expected allele frequency for a pathogenic variant in GAA causing Glycogen Storage Disease, Type 2 (Pompe Disease) phenotype (0.0042), strongly suggesting that the variant is a benign polymorphism found primarily in populations of African origin. To our knowledge, no occurrence of c.2580C>T in individuals affected with Glycogen Storage Disease, Type 2 (Pompe Disease) and no experimental evidence demonstrating its impact on protein function have been reported. Four ClinVar submission from clinical diagnostic laboratories (evaluation after 2014) cite the variant twice as likely benign and twice as benign. Based on the evidence outlined above, the variant was classified as benign.

Illumina Laboratory Services, Illumina
Classification: Likely benign for Glycogen storage disease, type II. Last evaluated: 2018-01-13. Review status: criteria provided, single submitter. Criteria: ICSL Variant Classification Criteria 13 December 2019. Collection method: clinical testing. Allele origin: germline.
Comment: This variant was observed in the ICSL laboratory as part of a predisposition screen in an ostensibly healthy population. It had not been previously curated by ICSL or reported in the Human Gene Mutation Database (HGMD: prior to June 1st, 2018), and was therefore a candidate for classification through an automated scoring system. Utilizing variant allele frequency, disease prevalence and penetrance estimates, and inheritance mode, an automated score was calculated to assess if this variant is too frequent to cause the disease. Based on the score and internal cut-off values, a variant classified as likely benign is not then subjected to further curation. The score for this variant resulted in a classification of likely benign for this disease.

GeneDx
Classification: Likely benign. Last evaluated: 2017-09-05. Review status: criteria provided, single submitter. Criteria: GeneDx Variant Classification (06012015). Collection method: clinical testing. Allele origin: germline. Affected: yes.
Comment: This variant is considered likely benign or benign based on one or more of the following criteria: it is a conservative change, it occurs at a poorly conserved position in the protein, it is predicted to be benign by multiple in silico algorithms, and/or has population frequency not consistent with disease.

Eurofins Ntd Llc (ga)
Classification: Benign. Last evaluated: 2015-07-30. Review status: criteria provided, single submitter. Criteria: EGL Classification Definitions 2015. Collection method: clinical testing. Allele origin: germline. Observed: 1 variant allele, 1 heterozygote.

Natera, Inc.
Classification: Likely benign for Glycogen storage disease type II. Last evaluated: 2019-12-04. Review status: no assertion criteria provided. Collection method: clinical testing. Allele origin: germline. Not counted in ClinVar's aggregate classification.

Mayo Clinic Laboratories, Mayo Clinic
Classification: Likely benign. Last evaluated: 2017-04-13. Review status: no assertion criteria provided. Collection method: clinical testing. Allele origin: unknown. Not counted in ClinVar's aggregate classification.